The following is an entry in ClinVar:

ClinVar aggregate classification (germline): Uncertain significance (1 of 4 stars; one submission).

Submission:

Women's Health and Genetics/Laboratory Corporation of America, LabCorp
Classification: Uncertain significance. Last evaluated: 2026-06-26. Review status: criteria provided, single submitter. Criteria: LabCorp Variant Classification Summary - May 2015. Collection method: clinical testing. Allele origin: germline.
Comment: Variant summary: KAT6A c.5242T>C (p.Ser1748Pro) results in a non-conservative amino acid change in the encoded protein sequence. Algorithms developed to predict the effect of missense changes on protein structure and function are either unavailable or do not agree on the potential impact of this missense change. The variant was absent in 251442 control chromosomes. The available data on variant occurrences in the general population are insufficient to allow any conclusion about variant significance. To our knowledge, no occurrence of c.5242T>C in individuals affected with KAT6A-related conditions and no experimental evidence demonstrating its impact on protein function have been reported. No submitters have cited clinical-significance assessments for this variant to ClinVar. Based on the evidence outlined above, the variant was classified as uncertain significance.

NM_006766.5(KAT6A):c.5242T>C (p.Ser1748Pro)

Gene: KAT6A (lysine acetyltransferase 6A; minus strand). Cytogenetic location: 8p11.21.
Variant type: single nucleotide variant.
Coding change: c.5242T>C on transcript NM_006766.5 (MANE Select); coding-DNA position 5242, T replaced by C.
Protein change: p.Ser1748Pro; replaces serine 1748 with proline.
Molecular consequence: missense variant.
Genome position (GRCh38, 1-based): chr8:41,932,978, A>G on the plus strand (T>C on the coding strand, the complement: KAT6A is on the minus strand). VCF-style: chr8-41932978-A-G. GRCh37 (hg19) VCF-style: chr8-41790496-A-G.
Other names: short protein forms S1748P.
Identifiers: ClinVar variation 4887641 (VCV004887641.1).
Genomic context (GRCh38, chr8:41,932,978, plus strand): 5'-CATGAGGGTCCATAATGGTGTTGGTCAGCTGCTGCAGCTTGGCTAGGCTGAAGGTGGCTG[A>G]TGGTTGAGAGTAGCTGCCGGCACCAAAATCCCCTGGAATCCTCTCATAGATACTTATGTT-3'
Protein context (NP_006757.2, residues 1738-1758): DFGAGSYSQP[Ser1748Pro]ATFSLAKLQQ